The following is an entry in ClinVar:

ClinVar aggregate classification (germline): Likely benign (1 of 4 stars; one submission).

Conditions:
Leukoencephalopathy-thalamus and brainstem anomalies-high lactate syndrome. Also called: Combined oxidative phosphorylation deficiency 12; LEUKOENCEPHALOPATHY WITH THALAMUS AND BRAINSTEM INVOLVEMENT AND HIGH LACTATE. Identifiers: Orphanet 314051, MedGen C4706421, MONDO:0013971, OMIM 614924.

Allele frequency attached by ClinVar (database versions not stated): gnomAD exomes 0.00013; TOPMed 0.00144; gnomAD 0.00145 and 0.00148; 1000 Genomes Project 0.00240; 1000 Genomes Project 30x 0.00265.
gnomAD v4.1: 347 of 1,102,394 alleles (0.031%); highest among the groups gnomAD compares: African/African-American, 0.46%; 2 homozygotes.

Submission:

Illumina Laboratory Services, Illumina
Classification: Likely benign for Leukoencephalopathy-thalamus and brainstem anomalies-high lactate syndrome. Last evaluated: 2018-01-13. Review status: criteria provided, single submitter. Criteria: ICSL Variant Classification Criteria 13 December 2019. Collection method: clinical testing. Allele origin: germline.
Comment: This variant was observed in the ICSL laboratory as part of a predisposition screen in an ostensibly healthy population. It had not been previously curated by ICSL or reported in the Human Gene Mutation Database (HGMD: prior to June 1st, 2018), and was therefore a candidate for classification through an automated scoring system. Utilizing variant allele frequency, disease prevalence and penetrance estimates, and inheritance mode, an automated score was calculated to assess if this variant is too frequent to cause the disease. Based on the score and internal cut-off values, a variant classified as likely benign is not then subjected to further curation. The score for this variant resulted in a classification of likely benign for this disease.

NM_001083614.2(EARS2):c.*91C>T

Genes: EARS2 (glutamyl-tRNA synthetase 2, mitochondrial; minus strand), GGA2 (golgi associated, gamma adaptin ear containing, ARF binding protein 2; minus strand). Cytogenetic location: 16p12.2.
Variant type: single nucleotide variant.
Coding change: c.*91C>T on transcript NM_001083614.2 (MANE Select); 91 bases downstream of the stop codon, C replaced by T.
Molecular consequence: 3 prime UTR variant. On other transcripts: non-coding transcript variant (1).
Genome position (GRCh38, 1-based): chr16:23,524,280, G>A on the plus strand (C>T on the coding strand, the complement: EARS2 is on the minus strand). VCF-style: chr16-23524280-G-A. GRCh37 (hg19) VCF-style: chr16-23535601-G-A.
Identifiers: ClinVar variation 885123 (VCV000885123.4), dbSNP rs141499212, ClinGen allele CA279504096.
Genomic context (GRCh38, chr16:23,524,280, plus strand): 5'-AAATGCACTTGTGTGCAGTCAGAGATTGTTTCCACTCTTAGTTCCTTCAGCAAACTTCCC[G>A]ACGGGCCCCAGGCCTCCTTCTGGTCTCTGAAAGCTGTTTCTAAGCTCACAGGTTCTTAGG-3'